The following is an entry in ClinVar:

NM_015634.4(KIFBP):c.1516dup (p.Ile506fs)

Gene: KIFBP (kinesin family binding protein; plus strand). Cytogenetic location: 10q22.1.
Variant type: Duplication.
Coding change: c.1516dup on transcript NM_015634.4 (MANE Select); coding-DNA position 1516, one base duplicated (A; older notation c.1516dupA).
Protein change: p.Ile506fs; shifts the reading frame from isoleucine 506.
Molecular consequence: frameshift variant.
Genome position (GRCh38, 1-based): chr10:69,016,066, A duplicated; the last of 8 consecutive A bases (chr10:69,016,059-69,016,066); duplicating any one gives the same sequence. VCF-style (leftmost placement, unchanged base first): chr10-69016058-T-TA. GRCh37 (hg19) VCF-style: chr10-70775814-T-TA.
Other names: p.(Ile506AsnfsTer3); c.1516dupA (NM_015634.3); c.1516_1517insA (NM_015634.3); c.1516dup (NM_015634.3); short protein forms I506fs.
Identifiers: ClinVar variation 503623 (VCV000503623.14), dbSNP rs781469363, ClinGen allele CA5529913.

ClinVar aggregate classification (germline): Pathogenic/Likely pathogenic. Review status: criteria provided, multiple submitters, no conflicts (2 of 4 stars). 4 submissions from 4 submitters: Pathogenic (2); Likely pathogenic (1). 1 of the submissions does not count toward it. Last evaluated 2025-04-22.

Conditions:
KIFBP-related disorder. Also called: KIFBP-related condition.
Goldberg-Shprintzen syndrome. Identifiers: Orphanet 66629, MedGen C1836123, MONDO:0012280, OMIM 609460.

Submissions (4):

Labcorp Genetics (formerly Invitae), Labcorp
Classification: Pathogenic. Last evaluated: 2025-04-22. Review status: criteria provided, single submitter. Criteria: Invitae Variant Classification Sherloc (09022015). Collection method: clinical testing. Allele origin: germline.
Comment: This sequence change creates a premature translational stop signal (p.Ile506Asnfs*3) in the KIF1BP gene. While this is not anticipated to result in nonsense mediated decay, it is expected to disrupt the last 116 amino acid(s) of the KIF1BP protein. This variant is present in population databases (rs781469363, gnomAD 0.2%). This premature translational stop signal has been observed in individual(s) with Goldberg-Shprintzen syndrome (PMID: 24901346, 32939943). It has also been observed to segregate with disease in related individuals. ClinVar contains an entry for this variant (Variation ID: 503623). Studies have shown that this premature translational stop signal alters KIF1BP gene expression (PMID: 32939943). This variant disrupts the C-terminus of the KIF1BP protein. Other variant(s) that disrupt this region (p.Glu565Alafs*16) have been observed in individuals with KIF1BP-related conditions (PMID: 3293994). This suggests that this may be a clinically significant region of the protein. For these reasons, this variant has been classified as Pathogenic.

GeneDx
Classification: Pathogenic. Last evaluated: 2024-04-15. Review status: criteria provided, single submitter. Criteria: GeneDx Variant Classification Process June 2021. Collection method: clinical testing. Allele origin: germline. Affected: yes.
Comment: Published functional studies demonstrate a damaging effect as the c.1516dup variant led to significant reduction in KIF1BP expression level (PMID: 32939943); Frameshift variant predicted to result in abnormal protein length as the last 116 amino acids are replaced with 2 different amino acids, and other similar variants have been reported in HGMD; This variant is associated with the following publications: (PMID: 24901346, 29144512, 32939943)

PreventionGenetics, part of Exact Sciences
Classification: Likely pathogenic for KIFBP-related condition. Last evaluated: 2023-09-21. Review status: criteria provided, single submitter. Criteria: ACMG Guidelines, 2015. Collection method: clinical testing. Allele origin: germline.
Comment: The KIFBP c.1516dupA variant is predicted to result in a frameshift and premature protein termination (p.Ile506Asnfs*3). This variant was reported in an individual with an atrial septal defect, hypotonia, agenesis of the corpus callosum, and developmental delay (Iglesias et al 2014. PubMed ID: 24901346, under prior gene name KIAA1279). It was also reported in the homozygous state in a sibling pair with Goldberg-Shprintzen syndrome (MacKenzie KC et al 2020. PubMed ID: 32939943). The c.1516dup variant was reported to result in loss of expression of the KIFBP protein (MacKenzie KC et al 2020. PubMed ID: 32939943, variant shown as insA in Figure 2). This variant is reported in 0.26% of alleles in individuals of Ashkenazi Jewish descent in gnomAD. Frameshift and other loss-of-function variants in KIFBP are expected to be pathogenic. Based on the collective evidence, this variant is interpreted as likely pathogenic.

Clinical Genetics, Erasmus University Medical Center
Classification: Uncertain significance for Goldberg-Shprintzen Syndrome. Last evaluated: 2019-05-16. Review status: no assertion criteria provided. Collection method: clinical testing. Allele origin: germline. Affected: yes. Not counted in ClinVar's aggregate classification.

Literature cited by the submitters: PubMed 24901346 (cited by Labcorp Genetics (formerly Invitae), Labcorp); PubMed 32939943 (cited by Labcorp Genetics (formerly Invitae), Labcorp); PubMed 3293994 (cited by Labcorp Genetics (formerly Invitae), Labcorp).